The following is an entry in ClinVar:

NM_014633.5(CTR9):c.240A>G (p.Lys80=)

Gene: CTR9 (CTR9 component of Paf1/RNA polymerase II complex; plus strand). Cytogenetic location: 11p15.4.
Variant type: single nucleotide variant.
Coding change: c.240A>G on transcript NM_014633.5 (MANE Select); coding-DNA position 240, A replaced by G.
Protein change: p.Lys80=; no amino-acid change (lysine 80 retained).
Molecular consequence: synonymous variant.
Genome position (GRCh38, 1-based): chr11:10,755,053, A>G. VCF-style: chr11-10755053-A-G. GRCh37 (hg19) VCF-style: chr11-10776600-A-G.
Other names: c.240A>G, p.Lys80= (NM_001346279.2).
Identifiers: ClinVar variation 1164876 (VCV001164876.17), dbSNP rs35582466, ClinGen allele CA5884821.

ClinVar aggregate classification (germline): Benign/Likely benign. Review status: criteria provided, multiple submitters, no conflicts (2 of 4 stars). 3 submissions from 3 submitters: Benign (2); Likely benign (1). Last evaluated 2025-12-22.

Allele frequency attached by ClinVar (database versions not stated): gnomAD exomes 0.00027 and 0.00070; ExAC 0.00077; gnomAD 0.00287 and 0.00307; ESP Exome Variant Server 0.00293; TOPMed 0.00297; 1000 Genomes Project 0.00300; 1000 Genomes Project 30x 0.00312.
gnomAD v4.1: 847 of 1,614,128 alleles (0.052%); highest among the groups gnomAD compares: African/African-American, 1%; 6 homozygotes.

Submissions (3):

Labcorp Genetics (formerly Invitae), Labcorp
Classification: Benign. Last evaluated: 2025-12-22. Review status: criteria provided, single submitter. Criteria: Invitae Variant Classification Sherloc (09022015). Collection method: clinical testing. Allele origin: germline.

CeGaT Center for Human Genetics Tuebingen
Classification: Likely benign. Last evaluated: 2025-09-01. Review status: criteria provided, single submitter. Criteria: CeGaT Center For Human Genetics Tuebingen Variant Classification Criteria Version 2. Collection method: clinical testing. Allele origin: germline. Affected: yes. Observed: 2 variant alleles.
Comment: CTR9: BP4, BS1

Breakthrough Genomics
Classification: Benign. Review status: criteria provided, single submitter. Criteria: ACMG Guidelines, 2015. Collection method: not provided. Allele origin: germline. Inheritance: Unknown mechanism. Affected: yes.